The following is an entry in ClinVar:

ClinVar aggregate classification (germline): Uncertain significance (1 of 4 stars; one submission).

Conditions:
Cardiovascular phenotype. Identifiers: MedGen CN230736.

Submission:

Ambry Genetics
Classification: Uncertain significance for Cardiovascular phenotype. Last evaluated: 2020-10-29. Review status: criteria provided, single submitter. Criteria: Ambry Variant Classification Scheme 2023. Collection method: clinical testing. Allele origin: germline.
Comment: The p.E939K variant (also known as c.2815G>A), located in coding exon 26 of the ANK2 gene, results from a G to A substitution at nucleotide position 2815. The glutamic acid at codon 939 is replaced by lysine, an amino acid with similar properties. This amino acid position is well conserved in available vertebrate species. In addition, the in silico prediction for this alteration is inconclusive. Since supporting evidence is limited at this time, the clinical significance of this alteration remains unclear.

NM_001148.6(ANK2):c.2815G>A (p.Glu939Lys)

Gene: ANK2 (ankyrin 2; plus strand). Cytogenetic location: 4q26.
Variant type: single nucleotide variant.
Coding change: c.2815G>A on transcript NM_001148.6 (MANE Select); coding-DNA position 2815, G replaced by A.
Protein change: p.Glu939Lys; replaces glutamic acid 939 with lysine.
Molecular consequence: missense variant.
Genome position (GRCh38, 1-based): chr4:113,318,535, G>A. VCF-style: chr4-113318535-G-A. GRCh37 (hg19) VCF-style: chr4-114239691-G-A.
Other names: c.2752G>A, p.Glu918Lys (NM_001127493.3, NM_001354243.2, NM_001354255.2 and 3 more transcripts); c.2827G>A, p.Glu943Lys (NM_001354225.2); c.2815G>A, p.Glu939Lys (NM_001354228.2, NM_001354232.2, NM_001354258.2 and 1 more transcripts); c.2857G>A, p.Glu953Lys (NM_001354230.2, NM_001354231.2, NM_001354237.2 and 1 more transcripts); c.2812G>A, p.Glu938Lys (NM_001354235.2, NM_001354236.2, NM_001354246.2 and 1 more transcripts); c.2749G>A, p.Glu917Lys (NM_001354239.2, NM_001354244.2, NM_001354252.2 and 3 more transcripts); c.2860G>A, p.Glu954Lys (NM_001354240.2, NM_001354241.2, NM_001386144.1); c.2716G>A, p.Glu906Lys (NM_001354245.2, NM_001354268.2); and 17 more; short protein forms E811K, E872K, E877K, E885K, E905K, E922K, E939K, E953K.
Identifiers: ClinVar variation 1796376 (VCV001796376.2), dbSNP rs2500174813, ClinGen allele CA357931363.
Genomic context (GRCh38, chr4:113,318,535, plus strand): 5'-AAGCAAAGTGTGTTTATTCAATCCAGTGTTCTTTGTGTTTAGGTGTCAACTCTAGCCAAG[G>A]AGGCAGAAAGGAATTCTTATCGCCTAAGCTGGGGCACTGAGAACTTAGACAACGTGGCTC-3'
Protein context (NP_001139.3, residues 929-949): PSHQVSTLAK[Glu939Lys]AERNSYRLSW